The following is an entry in ClinVar:

ClinVar aggregate classification (germline): Pathogenic. Review status: criteria provided, multiple submitters, no conflicts (2 of 4 stars). 3 submissions from 3 submitters: Pathogenic (3). Last evaluated 2025-05-23.

Conditions:
Corneal dystrophy-perceptive deafness syndrome (CDPD). Also called: HARBOYAN SYNDROME; CORNEAL DYSTROPHY AND SENSORINEURAL DEAFNESS. Identifiers: Orphanet 1490, MedGen C1857572, MONDO:0009015, OMIM 217400.
Congenital hereditary endothelial dystrophy of cornea. Also called: Congenital hereditary endothelial dystrophy of the cornea; Maumenee corneal dystrophy; Corneal endothelial dystrophy, autosomal recessive; CORNEAL DYSTROPHY, CONGENITAL HEREDITARY ENDOTHELIAL; Congenital hereditary endothelial dystrophy type II. Identifiers: Orphanet 293603, MedGen C1857569, MONDO:0009019, OMIM 217700.
Corneal dystrophy, Fuchs endothelial, 4 (FECD4). Identifiers: Orphanet 98974, MedGen C2750450, MONDO:0013204, OMIM 613268.

gnomAD v4.1: 5 of 1,614,040 alleles (0.00031%); highest among the groups gnomAD compares: East Asian, 0.0067%; no homozygotes.

Submissions (3):

Natera, Inc.
Classification: Pathogenic for Corneal dystrophy-perceptive deafness syndrome. Last evaluated: 2025-05-23. Review status: criteria provided, single submitter. Criteria: Natera Variant Classification Schema (03/2026). Collection method: clinical testing. Allele origin: germline.
Comment: The c.110C>A variant in SLC4A11 is a nonsense variant predicted to introduce a stop codon at amino acid 37. This variant is expected to result in nonsense mediated decay, truncation, or a dysfunctional protein product. This variant is rare in the general population with a frequency below the threshold expected for the associated phenotype(s). This variant has been observed in one or more individuals affected with the associated recessive disease, as either homozygous or compound heterozygous with a second variant (PMID: 36902444). Given the available evidence, this variant is classified as Pathogenic.

Fulgent Genetics
Classification: Pathogenic for Corneal dystrophy-perceptive deafness syndrome; Congenital hereditary endothelial dystrophy of cornea; Corneal dystrophy, Fuchs endothelial, 4. Last evaluated: 2024-03-05. Review status: criteria provided, single submitter. Criteria: ACMG Guidelines, 2015. Collection method: clinical testing. Allele origin: germline.

Labcorp Genetics (formerly Invitae), Labcorp
Classification: Pathogenic. Last evaluated: 2024-02-01. Review status: criteria provided, single submitter. Criteria: Invitae Variant Classification Sherloc (09022015). Collection method: clinical testing. Allele origin: germline.
Comment: This sequence change creates a premature translational stop signal (p.Ser37*) in the SLC4A11 gene. It is expected to result in an absent or disrupted protein product. Loss-of-function variants in SLC4A11 are known to be pathogenic (PMID: 17220209, 17679935). This variant is present in population databases (rs751587806, gnomAD 0.02%). This variant has not been reported in the literature in individuals affected with SLC4A11-related conditions. ClinVar contains an entry for this variant (Variation ID: 941893). For these reasons, this variant has been classified as Pathogenic.

Literature cited by the submitters: PubMed 36902444 (cited by Natera, Inc.); PubMed 17220209 (cited by Labcorp Genetics (formerly Invitae), Labcorp); PubMed 17679935 (cited by Labcorp Genetics (formerly Invitae), Labcorp).

NM_001174089.2(SLC4A11):c.62C>A (p.Ser21Ter)

Gene: SLC4A11 (solute carrier family 4 member 11; minus strand). Cytogenetic location: 20p13.
Variant type: single nucleotide variant.
Coding change: c.62C>A on transcript NM_001174089.2 (MANE Select); coding-DNA position 62, C replaced by A.
Protein change: p.Ser21Ter; replaces serine 21 with a stop codon.
Molecular consequence: nonsense. On other transcripts: non-coding transcript variant (1).
Genome position (GRCh38, 1-based): chr20:3,237,570, G>T on the plus strand (C>A on the coding strand, the complement: SLC4A11 is on the minus strand). VCF-style: chr20-3237570-G-T. GRCh37 (hg19) VCF-style: chr20-3218216-G-T.
Other names: c.191C>A, p.Ser64Ter (NM_001174090.2); c.62C>A, p.Ser21Ter (NM_001363745.2); c.110C>A, p.Ser37Ter (NM_032034.4); short protein forms S21*, S64*, S37*.
Identifiers: ClinVar variation 941893 (VCV000941893.9), dbSNP rs751587806, ClinGen allele CA9742476.